The following is an entry in ClinVar:

ClinVar aggregate classification (germline): Pathogenic (1 of 4 stars; one submission).

Conditions:
Ataxia-telangiectasia syndrome (AT). Also called: Ataxia-telangiectasia; LOUIS-BAR SYNDROME; Ataxia-telangiectasia, complementation group D; AT, COMPLEMENTATION GROUP C; ATAXIA-TELANGIECTASIA, COMPLEMENTATION GROUP A; ATAXIA-TELANGIECTASIA, FRESNO VARIANT. Identifiers: Orphanet 100, MedGen C0004135, MONDO:0008840, OMIM 208900.

Submission:

Labcorp Genetics (formerly Invitae), Labcorp
Classification: Pathogenic for Ataxia-telangiectasia syndrome. Last evaluated: 2022-09-08. Review status: criteria provided, single submitter. Criteria: Invitae Variant Classification Sherloc (09022015). Collection method: clinical testing. Allele origin: germline.
Comment: This sequence change creates a premature translational stop signal (p.Phe2189Serfs*46) in the ATM gene. It is expected to result in an absent or disrupted protein product. Loss-of-function variants in ATM are known to be pathogenic (PMID: 23807571, 25614872). This variant is not present in population databases (gnomAD no frequency). This variant has not been reported in the literature in individuals affected with ATM-related conditions. ClinVar contains an entry for this variant (Variation ID: 1413609). For these reasons, this variant has been classified as Pathogenic.

Literature cited by the submitters: PubMed 23807571; PubMed 25614872.

NM_000051.4(ATM):c.6566del (p.Phe2189fs)

Genes: ATM (ATM serine/threonine kinase; plus strand), C11orf65 (chromosome 11 open reading frame 65; minus strand). Cytogenetic location: 11q22.3.
Variant type: Deletion.
Coding change: c.6566del on transcript NM_000051.4 (MANE Select); coding-DNA position 6566, one base deleted (T; older notation c.6566delT).
Protein change: p.Phe2189fs; shifts the reading frame from phenylalanine 2189.
Molecular consequence: frameshift variant. On other transcripts: intron variant (2).
Genome position (GRCh38, 1-based): chr11:108,321,414, T deleted; the last of 4 consecutive T bases (chr11:108,321,411-108,321,414); deleting any one gives the same sequence. VCF-style (leftmost placement, unchanged base first): chr11-108321410-CT-C. GRCh37 (hg19) VCF-style: chr11-108192137-CT-C.
Other names: c.*39-12340del (NM_001351110.2); c.6566del, p.Phe2189fs (NM_001351834.2); c.641-12340del (NM_001330368.2); short protein forms F2189fs.
Identifiers: ClinVar variation 1413609 (VCV001413609.8), dbSNP rs2136243287, ClinGen allele CA2573146785.